The following is an entry in ClinVar:

NM_000051.4(ATM):c.3265G>C (p.Ala1089Pro)

Gene: ATM (ATM serine/threonine kinase; plus strand). Cytogenetic location: 11q22.3.
Variant type: single nucleotide variant.
Coding change: c.3265G>C on transcript NM_000051.4 (MANE Select); coding-DNA position 3265, G replaced by C.
Protein change: p.Ala1089Pro; replaces alanine 1089 with proline.
Molecular consequence: missense variant.
Genome position (GRCh38, 1-based): chr11:108,272,833, G>C. VCF-style: chr11-108272833-G-C. GRCh37 (hg19) VCF-style: chr11-108143560-G-C.
Other names: c.3265G>C, p.Ala1089Pro (NM_001351834.2); short protein forms A1089P.
Identifiers: ClinVar variation 1055103 (VCV001055103.9), dbSNP rs730881358, ClinGen allele CA382516156.

ClinVar aggregate classification (germline): Uncertain significance (1 of 4 stars; one submission).

Conditions:
Ataxia-telangiectasia syndrome (AT). Also called: ATAXIA-TELANGIECTASIA, FRESNO VARIANT; Ataxia-telangiectasia, complementation group E; ATAXIA-TELANGIECTASIA, COMPLEMENTATION GROUP A; LOUIS-BAR SYNDROME; Ataxia-telangiectasia, complementation group D; AT, COMPLEMENTATION GROUP C. Identifiers: Orphanet 100, MedGen C0004135, MONDO:0008840, OMIM 208900.

Submission:

Labcorp Genetics (formerly Invitae), Labcorp
Classification: Uncertain significance for Ataxia-telangiectasia syndrome. Last evaluated: 2024-09-23. Review status: criteria provided, single submitter. Criteria: Invitae Variant Classification Sherloc (09022015). Collection method: clinical testing. Allele origin: germline.
Comment: This sequence change replaces alanine, which is neutral and non-polar, with proline, which is neutral and non-polar, at codon 1089 of the ATM protein (p.Ala1089Pro). This variant is not present in population databases (gnomAD no frequency). This variant has not been reported in the literature in individuals affected with ATM-related conditions. ClinVar contains an entry for this variant (Variation ID: 1055103). An algorithm developed to predict the effect of missense changes on protein structure and function (PolyPhen-2) suggests that this variant is likely to be disruptive. In summary, the available evidence is currently insufficient to determine the role of this variant in disease. Therefore, it has been classified as a Variant of Uncertain Significance.